The following is an entry in ClinVar:

NM_016138.5(COQ7):c.367+4C>T

Gene: COQ7 (coenzyme Q7, hydroxylase; plus strand). Cytogenetic location: 16p12.3.
Variant type: single nucleotide variant.
Coding change: c.367+4C>T on transcript NM_016138.5 (MANE Select); 4 bases into the intron after coding-DNA position 367, C replaced by T.
Molecular consequence: intron variant. On other transcripts: non-coding transcript variant (2).
Genome position (GRCh38, 1-based): chr16:19,074,039, C>T. VCF-style: chr16-19074039-C-T. GRCh37 (hg19) VCF-style: chr16-19085361-C-T.
Other names: p.?; c.367+4C>T (NM_001370490.1); c.253+4C>T (NM_001370494.1, NM_001190983.2, NM_001370495.1 and 2 more transcripts); c.325+4C>T (NM_001370489.1, NM_001370491.1).
Identifiers: ClinVar variation 673665 (VCV000673665.17), dbSNP rs114401101, ClinGen allele CA7932982.

ClinVar aggregate classification (germline): Benign. Review status: criteria provided, multiple submitters, no conflicts (2 of 4 stars). 5 submissions from 5 submitters: Benign (4). 1 of the submissions does not count toward it. Last evaluated 2026-02-02.

Conditions:
COQ7-related disorder. Also called: COQ7-related condition.

Allele frequency attached by ClinVar (database versions not stated): ESP Exome Variant Server 0.01447; TOPMed 0.01497; gnomAD exomes 0.00159 and 0.00381; ExAC 0.00561; 1000 Genomes Project 0.01258; gnomAD 0.01312 and 0.01413; 1000 Genomes Project 30x 0.01374.
gnomAD v4.1: 4,461 of 1,605,970 alleles (0.28%); highest among the groups gnomAD compares: African/African-American, 4.4%; 68 homozygotes.

Submissions (5):

Labcorp Genetics (formerly Invitae), Labcorp
Classification: Benign. Last evaluated: 2026-02-02. Review status: criteria provided, single submitter. Criteria: Invitae Variant Classification Sherloc (09022015). Collection method: clinical testing. Allele origin: germline.

Mayo Clinic Laboratories, Mayo Clinic
Classification: Benign. Last evaluated: 2024-01-31. Review status: criteria provided, single submitter. Criteria: ACMG Guidelines, 2015. Collection method: clinical testing. Allele origin: germline. Observed: 10 variant alleles.
Comment: BA1, BS2, BP4, BP7

GeneDx
Classification: Benign. Last evaluated: 2020-09-02. Review status: criteria provided, single submitter. Criteria: GeneDx Variant Classification Process June 2021. Collection method: clinical testing. Allele origin: germline. Affected: yes.

Breakthrough Genomics
Classification: Benign. Review status: criteria provided, single submitter. Criteria: ACMG Guidelines, 2015. Collection method: not provided. Allele origin: germline. Inheritance: Autosomal recessive inheritance. Affected: yes.

PreventionGenetics, part of Exact Sciences
Classification: Benign for COQ7-related condition. Last evaluated: 2019-05-13. Review status: no assertion criteria provided. Collection method: clinical testing. Allele origin: germline. Not counted in ClinVar's aggregate classification.
Comment: This variant is classified as benign based on ACMG/AMP sequence variant interpretation guidelines (Richards et al. 2015 PMID: 25741868, with internal and published modifications).